The following is an entry in ClinVar:

NM_030653.4(DDX11):c.545C>T (p.Pro182Leu)

Gene: DDX11 (DEAD/H-box helicase 11; plus strand). Cytogenetic location: 12p11.21.
Variant type: single nucleotide variant.
Coding change: c.545C>T on transcript NM_030653.4 (MANE Select); coding-DNA position 545, C replaced by T.
Protein change: p.Pro182Leu; replaces proline 182 with leucine.
Molecular consequence: missense variant.
Genome position (GRCh38, 1-based): chr12:31,085,033, C>T. VCF-style: chr12-31085033-C-T. GRCh37 (hg19) VCF-style: chr12-31237967-C-T.
Other names: c.545C>T, p.Pro182Leu (NM_001257144.2, NM_004399.3, NM_152438.2); c.467C>T, p.Pro156Leu (NM_001257145.2); short protein forms P156L, P182L.
Identifiers: ClinVar variation 1336379 (VCV001336379.29), dbSNP rs140186422, ClinGen allele CA6500795.

ClinVar aggregate classification (germline): Benign/Likely benign. Review status: criteria provided, multiple submitters, no conflicts (2 of 4 stars). 3 submissions from 3 submitters: Benign (1); Likely benign (2). Last evaluated 2026-01-28.

Allele frequency attached by ClinVar (database versions not stated): ESP Exome Variant Server 0.00046; gnomAD 0.00057 and 0.00076; gnomAD exomes 0.00065; 1000 Genomes Project 0.00120; 1000 Genomes Project 30x 0.00187.
gnomAD v4.1: 1,075 of 1,610,286 alleles (0.067%); highest among the groups gnomAD compares: South Asian, 0.78%; 10 homozygotes.

Submissions (3):

Labcorp Genetics (formerly Invitae), Labcorp
Classification: Benign. Last evaluated: 2026-01-28. Review status: criteria provided, single submitter. Criteria: Invitae Variant Classification Sherloc (09022015). Collection method: clinical testing. Allele origin: germline.

CeGaT Center for Human Genetics Tuebingen
Classification: Likely benign. Last evaluated: 2023-11-01. Review status: criteria provided, single submitter. Criteria: CeGaT Center For Human Genetics Tuebingen Variant Classification Criteria Version 2. Collection method: clinical testing. Allele origin: germline. Affected: yes. Observed: 3 variant alleles.
Comment: DDX11: BP4

Genetic Services Laboratory, University of Chicago
Classification: Likely benign. Last evaluated: 2021-07-26. Review status: criteria provided, single submitter. Criteria: ACMG Guidelines, 2015. Collection method: clinical testing. Allele origin: germline. Affected: no.